The following is an entry in ClinVar:

ClinVar aggregate classification (germline): Uncertain significance (1 of 4 stars; one submission).

Conditions:
Long QT syndrome (LQTS). Identifiers: MedGen C0023976, MeSH D008133, MONDO:0002442. Disease mechanism: loss of function. Inheritance: Various modes of inheritance.

Allele frequency attached by ClinVar (database versions not stated): gnomAD exomes below 0.00001; TOPMed below 0.00001.
gnomAD v4.1: 2 of 1,613,654 alleles (0.00012%); highest among the groups gnomAD compares: Admixed American, 0.0033%; no homozygotes.

Submission:

Labcorp Genetics (formerly Invitae), Labcorp
Classification: Uncertain significance for Long QT syndrome. Last evaluated: 2022-10-03. Review status: criteria provided, single submitter. Criteria: Invitae Variant Classification Sherloc (09022015). Collection method: clinical testing. Allele origin: germline.
Comment: In summary, the available evidence is currently insufficient to determine the role of this variant in disease. Therefore, it has been classified as a Variant of Uncertain Significance. Algorithms developed to predict the effect of missense changes on protein structure and function output the following: SIFT: "Tolerated"; PolyPhen-2: "Benign"; Align-GVGD: "Class C0". The valine amino acid residue is found in multiple mammalian species, which suggests that this missense change does not adversely affect protein function. This variant has not been reported in the literature in individuals affected with AKAP9-related conditions. This variant is present in population databases (no rsID available, gnomAD 0.006%). This sequence change replaces alanine, which is neutral and non-polar, with valine, which is neutral and non-polar, at codon 2284 of the AKAP9 protein (p.Ala2284Val).

NM_005751.5(AKAP9):c.6851C>T (p.Ala2284Val)

Gene: AKAP9 (A-kinase anchoring protein 9; plus strand). Cytogenetic location: 7q21.2.
Variant type: single nucleotide variant.
Coding change: c.6851C>T on transcript NM_005751.5 (MANE Select); coding-DNA position 6851, C replaced by T.
Protein change: p.Ala2284Val; replaces alanine 2284 with valine.
Molecular consequence: missense variant.
Genome position (GRCh38, 1-based): chr7:92,077,781, C>T. VCF-style: chr7-92077781-C-T. GRCh37 (hg19) VCF-style: chr7-91707095-C-T.
Other names: c.1496C>T, p.Ala499Val (NM_001379277.1); c.6827C>T, p.Ala2276Val (NM_147185.3); short protein forms A2276V, A2284V, A499V.
Identifiers: ClinVar variation 2005942 (VCV002005942.4), dbSNP rs1224810216, ClinGen allele CA368133728.
Genomic context (GRCh38, chr7:92,077,781, plus strand): 5'-CCATAAAGGAATCTGATGCCATGTCTACTCAAGACCAACATGTGCTATTTGGGAAATTTG[C>T]TCAAATAATACAGGAAAAAGAGGTAGAAATTGACCAATTAAATGAACAAGTTACGAAACT-3'
Protein context (NP_005742.4, residues 2274-2294): QDQHVLFGKF[Ala2284Val]QIIQEKEVEI